The following is an entry in ClinVar:

NM_032634.4(PIGO):c.1120-111A>G

Gene: PIGO (phosphatidylinositol glycan anchor biosynthesis class O; minus strand). Cytogenetic location: 9p13.3.
Variant type: single nucleotide variant.
Coding change: c.1120-111A>G on transcript NM_032634.4 (MANE Select); 111 bases into the intron before coding-DNA position 1120, A replaced by G.
Molecular consequence: intron variant.
Genome position (GRCh38, 1-based): chr9:35,092,878, T>C on the plus strand (A>G on the coding strand, the complement: PIGO is on the minus strand). VCF-style: chr9-35092878-T-C. GRCh37 (hg19) VCF-style: chr9-35092875-T-C.
Other names: c.1120-111A>G (NM_152850.4, NM_001201484.2).
Identifiers: ClinVar variation 677306 (VCV000677306.2), dbSNP rs76364234, ClinGen allele CA15606640.

ClinVar aggregate classification (germline): Benign. Review status: criteria provided, multiple submitters, no conflicts (2 of 4 stars). 2 submissions from 2 submitters: Benign (2). Last evaluated 2018-06-14.

Allele frequency attached by ClinVar (database versions not stated): 1000 Genomes Project 30x 0.01608; 1000 Genomes Project 0.01637; gnomAD 0.03552 and 0.03720; TOPMed 0.03561; gnomAD exomes 0.05272.
gnomAD v4.1: 70,183 of 1,382,114 alleles (5.1%); highest among the groups gnomAD compares: Non-Finnish European, 6.1%; 2,162 homozygotes.

Submissions (2):

GeneDx
Classification: Benign. Last evaluated: 2018-06-14. Review status: criteria provided, single submitter. Criteria: GeneDx Variant Classification (06012015). Collection method: clinical testing. Allele origin: germline. Affected: yes.
Comment: This variant is considered likely benign or benign based on one or more of the following criteria: it is a conservative change, it occurs at a poorly conserved position in the protein, it is predicted to be benign by multiple in silico algorithms, and/or has population frequency not consistent with disease.

Breakthrough Genomics
Classification: Benign. Review status: criteria provided, single submitter. Criteria: ACMG Guidelines, 2015. Collection method: not provided. Allele origin: germline. Inheritance: Autosomal recessive inheritance. Affected: yes.